The following is an entry in ClinVar:

NM_015176.4(FBXO28):c.302T>C (p.Met101Thr)

Gene: FBXO28 (F-box protein 28; plus strand). Cytogenetic location: 1q42.11.
Variant type: single nucleotide variant.
Coding change: c.302T>C on transcript NM_015176.4 (MANE Select); coding-DNA position 302, T replaced by C.
Protein change: p.Met101Thr; replaces methionine 101 with threonine.
Molecular consequence: missense variant. On other transcripts: non-coding transcript variant (1).
Genome position (GRCh38, 1-based): chr1:224,130,506, T>C. VCF-style: chr1-224130506-T-C. GRCh37 (hg19) VCF-style: chr1-224318208-T-C.
Other names: c.302T>C, p.Met101Thr (NM_001136115.3); short protein forms M101T.
Identifiers: ClinVar variation 3902352 (VCV003902352.1).

ClinVar aggregate classification (germline): Uncertain significance (1 of 4 stars; one submission).

Submission:

Women's Health and Genetics/Laboratory Corporation of America, LabCorp
Classification: Uncertain significance. Last evaluated: 2025-05-09. Review status: criteria provided, single submitter. Criteria: LabCorp Variant Classification Summary - May 2015. Collection method: clinical testing. Allele origin: germline.
Comment: Variant summary: FBXO28 c.302T>C (p.Met101Thr) results in a non-conservative amino acid change in the encoded protein sequence. Algorithms developed to predict the effect of missense changes on protein structure and function are either unavailable or do not agree on the potential impact of this missense change. The variant was absent in 251432 control chromosomes. The available data on variant occurrences in the general population are insufficient to allow any conclusion about variant significance. To our knowledge, no occurrence of c.302T>C in individuals affected with Developmental And Epileptic Encephalopathy 100 and no experimental evidence demonstrating its impact on protein function have been reported. No submitters have cited clinical-significance assessments for this variant to ClinVar. Based on the evidence outlined above, the variant was classified as uncertain significance.